The following is an entry in ClinVar:

NM_001042492.3(NF1):c.1642-659T>C

Gene: NF1 (neurofibromin 1; plus strand). Cytogenetic location: 17q11.2.
Variant type: single nucleotide variant.
Coding change: c.1642-659T>C on transcript NM_001042492.3 (MANE Select); 659 bases into the intron before coding-DNA position 1642, T replaced by C.
Molecular consequence: intron variant.
Genome position (GRCh38, 1-based): chr17:31,221,191, T>C. VCF-style: chr17-31221191-T-C. GRCh37 (hg19) VCF-style: chr17-29548209-T-C.
Other names: c.1642-659T>C (NM_000267.4, NM_001128147.3).
Identifiers: ClinVar variation 561908 (VCV000561908.1), dbSNP rs112782539, ClinGen allele CA289360264.

ClinVar aggregate classification (germline): Likely benign (1 of 4 stars; one submission).

Allele frequency attached by ClinVar (database versions not stated): TOPMed 0.00950; 1000 Genomes Project 30x 0.00984; gnomAD 0.00861 and 0.00923; 1000 Genomes Project 0.00938.
gnomAD v4.1: 1,294 of 152,064 alleles (0.85%); highest among the groups gnomAD compares: African/African-American, 3%; 26 homozygotes.

Submission:

GeneDx
Classification: Likely benign. Last evaluated: 2018-06-14. Review status: criteria provided, single submitter. Criteria: GeneDx Variant Classification (06012015). Collection method: clinical testing. Allele origin: germline. Affected: yes.
Comment: This variant is considered likely benign or benign based on one or more of the following criteria: it is a conservative change, it occurs at a poorly conserved position in the protein, it is predicted to be benign by multiple in silico algorithms, and/or has population frequency not consistent with disease.